The following is an entry in ClinVar:

NM_001127222.2(CACNA1A):c.6067G>A (p.Gly2023Ser)

Gene: CACNA1A (calcium voltage-gated channel subunit alpha1 A; minus strand). Cytogenetic location: 19p13.13.
Variant type: single nucleotide variant.
Coding change: c.6067G>A on transcript NM_001127222.2 (MANE Select); coding-DNA position 6067, G replaced by A.
Protein change: p.Gly2023Ser; replaces glycine 2023 with serine.
Molecular consequence: missense variant.
Genome position (GRCh38, 1-based): chr19:13,212,506, C>T on the plus strand (G>A on the coding strand, the complement: CACNA1A is on the minus strand). VCF-style: chr19-13212506-C-T. GRCh37 (hg19) VCF-style: chr19-13323320-C-T.
Other names: c.6085G>A, p.Gly2029Ser (NM_000068.4, NM_023035.3); c.6070G>A, p.Gly2024Ser (NM_001127221.2); c.6076G>A, p.Gly2026Ser (NM_001174080.2); short protein forms G2024S, G2026S, G2029S, G2023S.
Identifiers: ClinVar variation 386799 (VCV000386799.16), dbSNP rs574805525, ClinGen allele CA9239480.

ClinVar aggregate classification (germline): Likely benign. Review status: criteria provided, multiple submitters, no conflicts (2 of 4 stars). 4 submissions from 4 submitters: Likely benign (4). Last evaluated 2026-01-26.

Conditions:
Episodic ataxia type 2 (EA2). Also called: ATAXIA, EPISODIC, WITH NYSTAGMUS; ATAXIA, FAMILIAL PAROXYSMAL; CEREBELLAR ATAXIA, PAROXYSMAL, ACETAZOLAMIDE-RESPONSIVE; CEREBELLOPATHY, HEREDITARY PAROXYSMAL; ACETAZOLAMIDE-RESPONSIVE HEREDITARY PAROXYSMAL CEREBELLAR ATAXIA; EPISODIC ATAXIA, NYSTAGMUS-ASSOCIATED. Identifiers: Orphanet 97, MedGen C1720416, MONDO:0007163, OMIM 108500.
Developmental and epileptic encephalopathy, 42 (DEE42A). Also called: DEVELOPMENTAL AND EPILEPTIC ENCEPHALOPATHY 42A; EPILEPTIC ENCEPHALOPATHY, EARLY INFANTILE, 42A; Epileptic encephalopathy, early infantile, 42. Identifiers: MedGen C4310716, MONDO:0014917, OMIM 617106.
Inborn genetic diseases. Identifiers: MedGen C0950123, MeSH D030342.

Allele frequency attached by ClinVar (database versions not stated): gnomAD 0.00006; TOPMed 0.00008; gnomAD exomes 0.00011; ExAC 0.00014; 1000 Genomes Project 30x 0.00016; 1000 Genomes Project 0.00020.
gnomAD v4.1: 42 of 1,576,262 alleles (0.0027%); highest among the groups gnomAD compares: Admixed American, 0.045%; no homozygotes.

Submissions (4):

Labcorp Genetics (formerly Invitae), Labcorp
Classification: Likely benign for Developmental and epileptic encephalopathy, 42; Episodic ataxia type 2. Last evaluated: 2026-01-26. Review status: criteria provided, single submitter. Criteria: Invitae Variant Classification Sherloc (09022015). Collection method: clinical testing. Allele origin: germline.

Ambry Genetics
Classification: Likely benign for Inborn genetic diseases. Last evaluated: 2021-07-20. Review status: criteria provided, single submitter. Criteria: Ambry Variant Classification Scheme 2023. Collection method: clinical testing. Allele origin: germline.

GeneDx
Classification: Likely benign. Last evaluated: 2020-04-03. Review status: criteria provided, single submitter. Criteria: GeneDx Variant Classification Process June 2021. Collection method: clinical testing. Allele origin: germline. Affected: yes.
Comment: Has not been previously published as pathogenic or benign to our knowledge

Athena Diagnostics
Classification: Likely benign. Last evaluated: 2019-05-21. Review status: criteria provided, single submitter. Criteria: Athena Diagnostics Criteria. Collection method: clinical testing. Allele origin: germline.